The following is an entry in ClinVar:

NM_030777.4(SLC2A10):c.115G>A (p.Asp39Asn)

Gene: SLC2A10 (solute carrier family 2 member 10; plus strand). Cytogenetic location: 20q13.12.
Variant type: single nucleotide variant.
Coding change: c.115G>A on transcript NM_030777.4 (MANE Select); coding-DNA position 115, G replaced by A.
Protein change: p.Asp39Asn; replaces aspartic acid 39 with asparagine.
Molecular consequence: missense variant.
Genome position (GRCh38, 1-based): chr20:46,725,151, G>A. VCF-style: chr20-46725151-G-A. GRCh37 (hg19) VCF-style: chr20-45353790-G-A.
Other names: short protein forms D39N.
Identifiers: ClinVar variation 659691 (VCV000659691.16), dbSNP rs367623970, ClinGen allele CA9891915.
Genomic context (GRCh38, chr20:46,725,151, plus strand): 5'-GGCCTGACCTTTGGTTATGAACTGGCAGTCATATCAGGTGCCCTGCTGCCACTGCAGCTT[G>A]ACTTTGGGCTAAGCTGCTTGGAGCAGGAGTTCCTGGTGGGCAGCCTGCTCCTGGGGGCTC-3'
Protein context (NP_110404.1, residues 29-49): ISGALLPLQL[Asp39Asn]FGLSCLEQEF

ClinVar aggregate classification (germline): Uncertain significance. Review status: criteria provided, multiple submitters, no conflicts (2 of 4 stars). 5 submissions from 5 submitters: Uncertain significance (5). Last evaluated 2025-06-10.

Conditions:
Arterial tortuosity syndrome (ATORS). Identifiers: Orphanet 3342, MedGen C1859726, MONDO:0008818, OMIM 208050.
Familial thoracic aortic aneurysm and aortic dissection (TAAD). Also called: Thoracic aortic aneurysms and dissections. Identifiers: Orphanet 91387, MedGen C4707243, MONDO:0019625.

Allele frequency attached by ClinVar (database versions not stated): TOPMed 0.00003; gnomAD 0.00004; gnomAD exomes 0.00004 and 0.00007; ExAC 0.00006; ESP Exome Variant Server 0.00008.
gnomAD v4.1: 113 of 1,614,070 alleles (0.007%); highest among the groups gnomAD compares: Non-Finnish European, 0.009%; no homozygotes.

Submissions (5):

Ambry Genetics
Classification: Uncertain significance for Familial thoracic aortic aneurysm and aortic dissection. Last evaluated: 2025-06-10. Review status: criteria provided, single submitter. Criteria: Ambry Variant Classification Scheme 2023. Collection method: clinical testing. Allele origin: germline.
Comment: The p.D39N variant (also known as c.115G>A), located in coding exon 2 of the SLC2A10 gene, results from a G to A substitution at nucleotide position 115. The aspartic acid at codon 39 is replaced by asparagine, an amino acid with highly similar properties. This amino acid position is not well conserved in available vertebrate species. In addition, this alteration is predicted to be tolerated by in silico analysis. Since supporting evidence is limited at this time, the clinical significance of this alteration remains unclear.

Women's Health and Genetics/Laboratory Corporation of America, LabCorp
Classification: Uncertain significance. Last evaluated: 2024-04-14. Review status: criteria provided, single submitter. Criteria: LabCorp Variant Classification Summary - May 2015. Collection method: clinical testing. Allele origin: germline.

ARUP Laboratories, Molecular Genetics and Genomics, ARUP Laboratories
Classification: Uncertain significance for Arterial tortuosity syndrome. Last evaluated: 2022-04-18. Review status: criteria provided, single submitter. Criteria: ARUP Molecular Germline Variant Investigation Process 2021. Collection method: clinical testing. Allele origin: germline.
Comment: The SLC2A10 c.115G>A; p.Asp39Asn variant (rs367623970), to our knowledge, is not reported in the medical literature but is reported in ClinVar (Variation ID: 659691). This variant is found in the African population with an allele frequency of 0.012% (2/16,256 alleles) in the Genome Aggregation Database. The aspartic acid at codon 39 is moderately conserved, but computational analyses are uncertain whether this variant is neutral or deleterious (REVEL: 0.217). Due to limited information, the clinical significance of the p.Asp39Asn variant is uncertain at this time.

Labcorp Genetics (formerly Invitae), Labcorp
Classification: Uncertain significance for Arterial tortuosity syndrome. Last evaluated: 2022-04-06. Review status: criteria provided, single submitter. Criteria: Invitae Variant Classification Sherloc (09022015). Collection method: clinical testing. Allele origin: germline.
Comment: This sequence change replaces aspartic acid, which is acidic and polar, with asparagine, which is neutral and polar, at codon 39 of the SLC2A10 protein (p.Asp39Asn). This variant is present in population databases (rs367623970, gnomAD 0.01%). This variant has not been reported in the literature in individuals affected with SLC2A10-related conditions. ClinVar contains an entry for this variant (Variation ID: 659691). Advanced modeling of protein sequence and biophysical properties (such as structural, functional, and spatial information, amino acid conservation, physicochemical variation, residue mobility, and thermodynamic stability) performed at Invitae indicates that this missense variant is not expected to disrupt SLC2A10 protein function. In summary, the available evidence is currently insufficient to determine the role of this variant in disease. Therefore, it has been classified as a Variant of Uncertain Significance.

Fulgent Genetics
Classification: Uncertain significance for Arterial tortuosity syndrome. Last evaluated: 2021-07-22. Review status: criteria provided, single submitter. Criteria: ACMG Guidelines, 2015. Collection method: clinical testing. Allele origin: unknown.